The following is an entry in ClinVar:

NM_001843.4(CNTN1):c.1140T>A (p.Asp380Glu)

Gene: CNTN1 (contactin 1; plus strand). Cytogenetic location: 12q12.
Variant type: single nucleotide variant.
Coding change: c.1140T>A on transcript NM_001843.4 (MANE Select); coding-DNA position 1140, T replaced by A.
Protein change: p.Asp380Glu; replaces aspartic acid 380 with glutamic acid.
Molecular consequence: missense variant.
Genome position (GRCh38, 1-based): chr12:40,937,599, T>A. VCF-style: chr12-40937599-T-A. GRCh37 (hg19) VCF-style: chr12-41331401-T-A.
Other names: c.1140T>A, p.Asp380Glu (NM_001256063.2, NM_001256064.2); c.1107T>A, p.Asp369Glu (NM_175038.2); short protein forms D380E, D369E.
Identifiers: ClinVar variation 1360377 (VCV001360377.6), dbSNP rs768371907, ClinGen allele CA6516795.

ClinVar aggregate classification (germline): Uncertain significance (1 of 4 stars; one submission).

Conditions:
Compton-North congenital myopathy (CMYO12). Identifiers: Orphanet 210163, MedGen C2675527, MONDO:0012929, OMIM 612540.

Allele frequency attached by ClinVar (database versions not stated): gnomAD exomes below 0.00001; ExAC 0.00001; gnomAD 0.00002; TOPMed 0.00002.
gnomAD v4.1: 6 of 1,610,756 alleles (0.00037%); highest among the groups gnomAD compares: African/African-American, 0.008%; no homozygotes.

Submission:

Labcorp Genetics (formerly Invitae), Labcorp
Classification: Uncertain significance for Compton-North congenital myopathy. Last evaluated: 2022-06-27. Review status: criteria provided, single submitter. Criteria: Invitae Variant Classification Sherloc (09022015). Collection method: clinical testing. Allele origin: germline.
Comment: In summary, the available evidence is currently insufficient to determine the role of this variant in disease. Therefore, it has been classified as a Variant of Uncertain Significance. This sequence change replaces aspartic acid, which is acidic and polar, with glutamic acid, which is acidic and polar, at codon 380 of the CNTN1 protein (p.Asp380Glu). This variant is present in population databases (rs768371907, gnomAD 0.01%). This variant has not been reported in the literature in individuals affected with CNTN1-related conditions. Advanced modeling of protein sequence and biophysical properties (such as structural, functional, and spatial information, amino acid conservation, physicochemical variation, residue mobility, and thermodynamic stability) performed at Invitae indicates that this missense variant is not expected to disrupt CNTN1 protein function.